The following is an entry in ClinVar:

ClinVar aggregate classification (germline): Uncertain significance (1 of 4 stars; one submission).

Conditions:
Inborn genetic diseases. Identifiers: MedGen C0950123, MeSH D030342.

Submission:

Ambry Genetics
Classification: Uncertain significance for Inborn genetic diseases. Last evaluated: 2024-04-23. Review status: criteria provided, single submitter. Criteria: Ambry Variant Classification Scheme 2023. Collection method: clinical testing. Allele origin: germline.
Comment: The c.3200A>G (p.Y1067C) alteration is located in exon 21 (coding exon 21) of the CHD5 gene. This alteration results from a A to G substitution at nucleotide position 3200, causing the tyrosine (Y) at amino acid position 1067 to be replaced by a cysteine (C). This variant was not reported in population-based cohorts in the Genome Aggregation Database (gnomAD). This amino acid position is highly conserved in available vertebrate species. This missense alteration is located in a region that has a low rate of benign missense variation (Lek, 2016; Firth, 2009). This alteration is predicted to be deleterious by in silico analysis. Based on insufficient or conflicting evidence, the clinical significance of this alteration remains unclear.

NM_015557.3(CHD5):c.3200A>G (p.Tyr1067Cys)

Gene: CHD5 (chromodomain helicase DNA binding protein 5; minus strand). Cytogenetic location: 1p36.31.
Variant type: single nucleotide variant.
Coding change: c.3200A>G on transcript NM_015557.3 (MANE Select); coding-DNA position 3200, A replaced by G.
Protein change: p.Tyr1067Cys; replaces tyrosine 1067 with cysteine.
Molecular consequence: missense variant.
Genome position (GRCh38, 1-based): chr1:6,131,693, T>C on the plus strand (A>G on the coding strand, the complement: CHD5 is on the minus strand). VCF-style: chr1-6131693-T-C. GRCh37 (hg19) VCF-style: chr1-6191753-T-C.
Other names: short protein forms Y1067C.
Identifiers: ClinVar variation 3266854 (VCV003266854.1).